The following is an entry in ClinVar:

NM_006389.5(HYOU1):c.2519G>A (p.Arg840Gln)

Gene: HYOU1 (hypoxia up-regulated 1; minus strand). Cytogenetic location: 11q23.3.
Variant type: single nucleotide variant.
Coding change: c.2519G>A on transcript NM_006389.5 (MANE Select); coding-DNA position 2519, G replaced by A.
Protein change: p.Arg840Gln; replaces arginine 840 with glutamine.
Molecular consequence: missense variant.
Genome position (GRCh38, 1-based): chr11:119,047,810, C>T on the plus strand (G>A on the coding strand, the complement: HYOU1 is on the minus strand). VCF-style: chr11-119047810-C-T. GRCh37 (hg19) VCF-style: chr11-118918522-C-T.
Other names: c.2519G>A, p.Arg840Gln (NM_001130991.3); short protein forms R840Q.
Identifiers: ClinVar variation 1431272 (VCV001431272.8), dbSNP rs781917127, ClinGen allele CA229617919.
Genomic context (GRCh38, chr11:119,047,810, plus strand): 5'-ACTTTCTCTAACGTTGTCATCTCCACCTCAGTGAAGATCTGGTCCATCTCTGGGATGAGC[C>T]GGGCCCCCCTGGAAGCCAGAAAGGAGACCATTAGCCCCAGAGGGAGAGGGGCCTGGAGTG-3'
Protein context (NP_006380.1, residues 830-850): NHSSMFLKGA[Arg840Gln]LIPEMDQIFT

ClinVar aggregate classification (germline): Uncertain significance (1 of 4 stars; one submission).

Allele frequency attached by ClinVar (database versions not stated): gnomAD 0.00003; gnomAD exomes 0.00003; TOPMed 0.00004.
gnomAD v4.1: 52 of 1,613,732 alleles (0.0032%); highest among the groups gnomAD compares: East Asian, 0.078%; no homozygotes.

Submission:

Labcorp Genetics (formerly Invitae), Labcorp
Classification: Uncertain significance. Last evaluated: 2025-12-08. Review status: criteria provided, single submitter. Criteria: Invitae Variant Classification Sherloc (09022015). Collection method: clinical testing. Allele origin: germline.
Comment: This sequence change replaces arginine, which is basic and polar, with glutamine, which is neutral and polar, at codon 840 of the HYOU1 protein (p.Arg840Gln). This variant is present in population databases (rs781917127, gnomAD 0.2%), and has an allele count higher than expected for a pathogenic variant. This variant has not been reported in the literature in individuals affected with HYOU1-related conditions. ClinVar contains an entry for this variant (Variation ID: 1431272). An algorithm developed to predict the effect of missense changes on protein structure and function (PolyPhen-2) suggests that this variant is likely to be tolerated. In summary, the available evidence is currently insufficient to determine the role of this variant in disease. Therefore, it has been classified as a Variant of Uncertain Significance.